The following is an entry in ClinVar:

ClinVar aggregate classification (germline): Uncertain significance (1 of 4 stars; one submission).

Submission:

GeneDx
Classification: Uncertain significance. Last evaluated: 2021-04-21. Review status: criteria provided, single submitter. Criteria: GeneDx Variant Classification Process June 2021. Collection method: clinical testing. Allele origin: germline. Affected: yes.
Comment: Not observed in large population cohorts (Lek et al., 2016); In silico analysis supports that this missense variant has a deleterious effect on protein structure/function; Has not been previously published as pathogenic or benign to our knowledge

NM_001851.6(COL9A1):c.1808C>T (p.Ser603Leu)

Gene: COL9A1 (collagen type IX alpha 1 chain; minus strand). Cytogenetic location: 6q13.
Variant type: single nucleotide variant.
Coding change: c.1808C>T on transcript NM_001851.6 (MANE Select); coding-DNA position 1808, C replaced by T.
Protein change: p.Ser603Leu; replaces serine 603 with leucine.
Molecular consequence: missense variant. On other transcripts: non-coding transcript variant (1).
Genome position (GRCh38, 1-based): chr6:70,252,272, G>A on the plus strand (C>T on the coding strand, the complement: COL9A1 is on the minus strand). VCF-style: chr6-70252272-G-A. GRCh37 (hg19) VCF-style: chr6-70961975-G-A.
Other names: c.1109C>T, p.Ser370Leu (NM_001377289.1); c.1079C>T, p.Ser360Leu (NM_001377290.1, NM_078485.4); short protein forms S360L, S370L, S603L.
Identifiers: ClinVar variation 1320413 (VCV001320413.2), dbSNP rs2127574590, ClinGen allele CA364677175.